The following is an entry in ClinVar:

ClinVar aggregate classification (germline): Pathogenic (1 of 4 stars; one submission).

Conditions:
Gorlin syndrome. Also called: Basal cell nevus syndrome; Nevoid Basal Cell Carcinoma Syndrome. Identifiers: Orphanet 377, MedGen C0004779, MONDO:0007187.

Submission:

Labcorp Genetics (formerly Invitae), Labcorp
Classification: Pathogenic for Gorlin syndrome. Last evaluated: 2022-12-06. Review status: criteria provided, single submitter. Criteria: Invitae Variant Classification Sherloc (09022015). Collection method: clinical testing. Allele origin: germline.
Comment: This variant has not been reported in the literature in individuals affected with PTCH1-related conditions. This variant is not present in population databases (gnomAD no frequency). This sequence change creates a premature translational stop signal (p.Phe1068Serfs*3) in the PTCH1 gene. It is expected to result in an absent or disrupted protein product. Loss-of-function variants in PTCH1 are known to be pathogenic (PMID: 16301862, 16419085). For these reasons, this variant has been classified as Pathogenic.

Literature cited by the submitters: PubMed 16301862; PubMed 16419085.

NM_000264.5(PTCH1):c.3201del (p.Phe1068fs)

Gene: PTCH1 (patched 1; minus strand). Cytogenetic location: 9q22.32.
Variant type: Deletion.
Coding change: c.3201del on transcript NM_000264.5 (MANE Select); coding-DNA position 3201, one base deleted (G; older notation c.3201delG).
Protein change: p.Phe1068fs; shifts the reading frame from phenylalanine 1068.
Molecular consequence: frameshift variant. On other transcripts: non-coding transcript variant (1).
Genome position (GRCh38, 1-based): chr9:95,456,381, C deleted on the plus strand (G on the coding strand, the reverse complement: PTCH1 is on the minus strand). VCF-style (leftmost placement, unchanged base first): chr9-95456380-AC-A. GRCh37 (hg19) VCF-style: chr9-98218662-AC-A.
Other names: c.3003del, p.Phe1002fs (NM_001083602.3); c.3198del, p.Phe1067fs (NM_001083603.3); c.2748del, p.Phe917fs (NM_001083604.3, NM_001083605.3, NM_001083606.3 and 1 more transcripts); c.3045del, p.Phe1016fs (NM_001354918.2); short protein forms F1016fs, F1067fs, F1068fs, F917fs, F1002fs.
Identifiers: ClinVar variation 2122935 (VCV002122935.4), dbSNP rs2538057578, ClinGen allele CA2580081273.